The following is an entry in ClinVar:

NM_000059.4(BRCA2):c.5893C>T (p.Leu1965Phe)

Gene: BRCA2 (BRCA2 DNA repair associated; plus strand). Cytogenetic location: 13q13.1.
Variant type: single nucleotide variant.
Coding change: c.5893C>T on transcript NM_000059.4 (MANE Select); coding-DNA position 5893, C replaced by T.
Protein change: p.Leu1965Phe; replaces leucine 1965 with phenylalanine.
Molecular consequence: missense variant.
Genome position (GRCh38, 1-based): chr13:32,340,248, C>T. VCF-style: chr13-32340248-C-T. GRCh37 (hg19) VCF-style: chr13-32914385-C-T.
Other names: 6121C>T; short protein forms L1965F.
Identifiers: ClinVar variation 91427 (VCV000091427.38), dbSNP rs398122542, ClinGen allele CA023343.

ClinVar aggregate classification (germline): Conflicting classifications of pathogenicity. Review status: criteria provided, conflicting classifications (1 of 4 stars). 12 submissions from 12 submitters: Uncertain significance (4); Likely benign (6). 2 of the submissions do not count toward it. Last evaluated 2026-05-04.

Conditions:
BRCA2-related cancer predisposition. Identifiers: MedGen CN377758, MONDO:0700269.
BRCA2-related disorder. Also called: BRCA2-related condition; BRCA2-related disorders. Identifiers: MedGen CN239275.
Hereditary cancer-predisposing syndrome. Also called: Hereditary Cancer Syndrome; Tumor predisposition; Neoplastic Syndromes, Hereditary; Hereditary neoplastic syndrome. Identifiers: Orphanet 140162, MedGen C0027672, MeSH D009386, MONDO:0015356.
Hereditary breast ovarian cancer syndrome. Also called: Hereditary breast and ovarian cancer syndrome; Hereditary breast and/or ovarian cancer syndrome; Hereditary breast and ovarian cancer; Hereditary breast and ovarian cancer syndrome (HBOC); Breast and ovarian cancer; BRCA1- and BRCA2-Associated Hereditary Breast and Ovarian Cancer. Identifiers: Orphanet 145, MedGen C0677776, MeSH D061325, MONDO:0003582. Disease mechanism: loss of function.
Breast-ovarian cancer, familial, susceptibility to, 2 (BROVCA2). Also called: BRCA2 Hereditary Breast and Ovarian Cancer. Identifiers: Orphanet 145, MedGen C2675520, MONDO:0012933, OMIM 612555. Disease mechanism: loss of function.

Allele frequency attached by ClinVar (database versions not stated): gnomAD exomes 0.00001 and 0.00002; ExAC 0.00002.
gnomAD v4.1: 5 of 1,613,944 alleles (0.00031%); highest among the groups gnomAD compares: Admixed American, 0.0083%; no homozygotes.

Submissions (12):

PreventionGenetics, part of Exact Sciences
Classification: Likely benign for BRCA2-related condition. Last evaluated: 2026-05-04. Review status: criteria provided, single submitter. Criteria: ACMG Guidelines, 2015. Collection method: clinical testing. Allele origin: germline.
Comment: This variant is classified as likely benign based on ACMG/AMP sequence variant interpretation guidelines (Richards et al. 2015 PMID: 25741868, with internal and published modifications).

Labcorp Genetics (formerly Invitae), Labcorp
Classification: Likely benign for Hereditary breast ovarian cancer syndrome. Last evaluated: 2025-12-22. Review status: criteria provided, single submitter. Criteria: Invitae Variant Classification Sherloc (09022015). Collection method: clinical testing. Allele origin: germline.

Color Diagnostics, LLC DBA Color Health
Classification: Likely benign for Hereditary cancer-predisposing syndrome. Last evaluated: 2025-05-28. Review status: criteria provided, single submitter. Criteria: ACMG Guidelines, 2015. Collection method: clinical testing. Allele origin: germline.

Women's Health and Genetics/Laboratory Corporation of America, LabCorp
Classification: Uncertain significance. Last evaluated: 2025-04-23. Review status: criteria provided, single submitter. Criteria: LabCorp Variant Classification Summary - May 2015. Collection method: clinical testing. Allele origin: germline.
Comment: Variant summary: BRCA2 c.5893C>T (p.Leu1965Phe) results in a non-conservative amino acid change in the encoded protein sequence. Four of five in-silico tools predict a benign effect of the variant on protein function. The variant allele was found at a frequency of 2e-05 in 250956 control chromosomes, predominantly at a frequency of 0.00014 within the Latino subpopulation in the gnomAD database. The available data on variant occurrences in the general population are insufficient to allow any conclusion about variant significance. c.5893C>T has been reported in the literature in individuals affected with Breast Cancer without evidence of cosegregation (Lee_2008, Zayas-Villanueva_2019). These report(s) do not provide unequivocal conclusions about association of the variant with Hereditary Breast And Ovarian Cancer Syndrome. To our knowledge, no experimental evidence demonstrating an impact on protein function has been reported. The following publications have been ascertained in the context of this evaluation (PMID: 18284688, 31331294). ClinVar contains an entry for this variant (Variation ID: 91427). Based on the evidence outlined above, the variant was classified as uncertain significance.

All of Us Research Program, National Institutes of Health
Classification: Uncertain significance for BRCA2-related cancer predisposition. Last evaluated: 2024-09-23. Review status: criteria provided, single submitter. Criteria: ACMG Guidelines, 2015. Collection method: clinical testing. Allele origin: germline. Inheritance: Autosomal dominant inheritance. Observed: 6 variant alleles, 6 heterozygotes.
Comment: This missense variant replaces leucine with phenylalanine at codon 1965 of the BRCA2 protein. Computational prediction suggests that this variant may not impact protein structure and function (internally defined REVEL score threshold <= 0.5, PMID: 27666373). To our knowledge, functional studies have not been reported for this variant. This variant has been reported in an individual affected with breast cancer (PMID: 18284688). This variant has been identified in 5/250956 chromosomes in the general population by the Genome Aggregation Database (gnomAD). The available evidence is insufficient to determine the role of this variant in disease conclusively. Therefore, this variant is classified as a Variant of Uncertain Significance.

This study involves interpretation of variants in research participants for the purpose of population health screening. Participant phenotype was not available at the time of variant classification. Additional details can be found in publication PMID: 35346344, PMCID: PMC8962531

ARUP Laboratories, Molecular Genetics and Genomics, ARUP Laboratories
Classification: Likely benign. Last evaluated: 2024-03-11. Review status: criteria provided, single submitter. Criteria: ARUP Molecular Germline Variant Investigation Process 2024. Collection method: clinical testing. Allele origin: germline.

University of Washington Department of Laboratory Medicine, University of Washington
Classification: Likely benign for Hereditary cancer-predisposing syndrome. Last evaluated: 2023-03-23. Review status: criteria provided, single submitter. Criteria: Dines et al. (Genet Med. 2020). Collection method: curation. Allele origin: germline.
Comment: Missense variant in a coldspot region where missense variants are very unlikely to be pathogenic (PMID:31911673).

BRCA2 exon 11 coldspot. Reclassification based on statistical prior probability.

Quest Diagnostics Nichols Institute San Juan Capistrano
Classification: Uncertain significance. Last evaluated: 2023-03-09. Review status: criteria provided, single submitter. Criteria: Quest Diagnostics criteria. Collection method: clinical testing. Allele origin: unknown.
Comment: The frequency of this variant in the general population, 0.00014 (5/34586 chromosomes), is uninformative in assessment of its pathogenicity. In the published literature, the variant has been reported in an individual with breast cancer (PMID: 18284688 (2008)). Analysis of this variant using bioinformatics tools for the prediction of the effect of amino acid changes on protein structure and function yielded predictions that this variant is benign. Based on the available information, we are unable to determine the clinical significance of this variant.

GeneDx
Classification: Uncertain significance. Last evaluated: 2022-12-16. Review status: criteria provided, single submitter. Criteria: GeneDx Variant Classification Process June 2021. Collection method: clinical testing. Allele origin: germline. Affected: yes.
Comment: In silico analysis supports that this missense variant does not alter protein structure/function; Also known as 6121C>T; This variant is associated with the following publications: (PMID: 18284688)

Ambry Genetics
Classification: Likely benign for Hereditary cancer-predisposing syndrome. Last evaluated: 2019-02-04. Review status: criteria provided, single submitter. Criteria: Ambry Variant Classification Scheme 2023. Collection method: clinical testing. Allele origin: germline.

Counsyl
Classification: Uncertain significance for Breast-ovarian cancer, familial, susceptibility to, 2. Last evaluated: 2017-02-10. Review status: no assertion criteria provided. Collection method: clinical testing. Allele origin: unknown. Not counted in ClinVar's aggregate classification.

Sharing Clinical Reports Project (SCRP)
Classification: Uncertain significance for Breast-ovarian cancer, familial 2. Last evaluated: 2012-04-18. Review status: no assertion criteria provided. Collection method: clinical testing. Allele origin: germline. Not counted in ClinVar's aggregate classification.

Literature cited by the submitters: PubMed 18284688 (cited by 4 submitters); PubMed 31331294 (cited by Women's Health and Genetics/Laboratory Corporation of America, LabCorp); PubMed 38300310 (cited by Women's Health and Genetics/Laboratory Corporation of America, LabCorp); PubMed 30212499 (cited by Quest Diagnostics Nichols Institute San Juan Capistrano); PubMed 26295337 (cited by Quest Diagnostics Nichols Institute San Juan Capistrano).